The following is an entry in ClinVar:

ClinVar aggregate classification (germline): Uncertain significance. Review status: reviewed by expert panel (3 of 4 stars). 4 submissions from 4 submitters: Uncertain significance (1). 3 of the submissions do not count toward it. Last evaluated 2024-07-08.

Conditions:
Mitochondrial disease. Also called: Mitochondrial disorder; Mitochondrial disorders. Identifiers: Orphanet 68380, MedGen C0751651, MeSH D028361, MONDO:0044970.
Mitochondrial non-syndromic sensorineural hearing loss. Also called: Nonsyndromic Hearing Loss and Deafness, Mitochondrial. Identifiers: Orphanet 90641, MedGen C3151897, MONDO:0010779, OMIM 500008.

Submissions (4):

ClinGen Mitochondrial Disease Nuclear and Mitochondrial  Variant Curation Expert Panel, ClinGen
Classification: Uncertain significance for Mitochondrial disease. Last evaluated: 2024-07-08. Review status: reviewed by expert panel. Criteria: clingen mito disease acmg specifications v1-1. Collection method: curation. Allele origin: germline. Inheritance: Mitochondrial inheritance.
Comment: The variant appeared to be homoplasmic. Information was not provided on the family history of this individual. There are no additional case reports to our knowledge. There are several occurrences of this variant in population databases (Mitomap: 1/61,134, gnomAD: 1/56,434, Helix: 4/195,893). Although there are several occurrences, the frequency is still low (PM2_supporting). There are no in-silico prediction tools for a stop-loss variant in mitochondrial DNA, although this variant would not be expected to cause run-through due to the excision of the tRNA immediately adjacent. Functional studies showed inefficient processing (29% of wild type) by tRNAseZ in the presence of this variant (PS3_supporting; PMID: 16361254). In summary, this variant meets criteria to be classified as uncertain significance for primary mitochondrial disease inherited in a mitochondrial manner. This classification was approved by the NICHD/NINDS U24 ClinGen Mitochondrial Disease Variant Curation Expert Panel on July 8, 2024. Mitochondrial DNA-specific ACMG/AMP criteria applied (PMID: 32906214): PS3_supporting, PM2_supporting.

3billion
Classification: Uncertain significance for Mitochondrial non-syndromic sensorineural hearing loss. Last evaluated: 2025-11-10. Review status: criteria provided, single submitter. Criteria: ACMG Guidelines, 2015. Collection method: clinical testing. Allele origin: germline. Affected: yes. Not counted in ClinVar's aggregate classification.
Comment: The variant is observed at an extremely low frequency in the gnomAD v4.1.0 dataset (heteroplasmic allele frequency: 0%). Predicted Consequence/Location: Mitochondrial variant The variant has been reported at least twice as pathogenic with clinical assertions and evidence for the classification (ClinVar ID: VCV000040158). Therefore, this variant is classified as VUS according to the recommendation of ACMG/AMP guideline.

Mendelics
Classification: Pathogenic for Mitochondrial non-syndromic sensorineural hearing loss. Last evaluated: 2022-05-04. Review status: criteria provided, single submitter. Criteria: Mendelics Assertion Criteria 2019. Collection method: clinical testing. Allele origin: germline. Not counted in ClinVar's aggregate classification.

GeneReviews
No classification provided. Condition: Mitochondrial non-syndromic sensorineural hearing loss. Review status: no classification provided. Collection method: literature only. Allele origin: maternal. Not counted in ClinVar's aggregate classification.

Literature cited by the submitters: NCBI Bookshelf NBK1422 (cited by GeneReviews); PubMed 20301595 (cited by GeneReviews).

NC_012920.1(MT-CO1):m.7443A>G

Genes: MT-CO1 (mitochondrially encoded cytochrome c oxidase I; plus strand), MT-TS1 (mitochondrially encoded tRNA serine 1 (UCN); minus strand).
Variant type: single nucleotide variant.
Genome position: chrM-7443-A-G.
Other names: *514G.
Identifiers: ClinVar variation 40158 (VCV000040158.10), dbSNP rs397507452, ClinGen allele CA347798.